The following is an entry in ClinVar:

ClinVar aggregate classification (germline): Uncertain significance (1 of 4 stars; one submission).

gnomAD v4.1: 3 of 1,600,742 alleles (0.00019%); highest among the groups gnomAD compares: Middle Eastern, 0.017%; no homozygotes.

Submission:

Labcorp Genetics (formerly Invitae), Labcorp
Classification: Uncertain significance. Last evaluated: 2024-03-06. Review status: criteria provided, single submitter. Criteria: Invitae Variant Classification Sherloc (09022015). Collection method: clinical testing. Allele origin: germline.
Comment: This sequence change replaces glutamine, which is neutral and polar, with glutamic acid, which is acidic and polar, at codon 2622 of the DMXL2 protein (p.Gln2622Glu). This variant is not present in population databases (gnomAD no frequency). This variant has not been reported in the literature in individuals affected with DMXL2-related conditions. An algorithm developed to predict the effect of missense changes on protein structure and function (PolyPhen-2) suggests that this variant is likely to be tolerated. In summary, the available evidence is currently insufficient to determine the role of this variant in disease. Therefore, it has been classified as a Variant of Uncertain Significance.

NM_001378457.1(DMXL2):c.7864C>G (p.Gln2622Glu)

Gene: DMXL2 (Dmx like 2; minus strand). Cytogenetic location: 15q21.2.
Variant type: single nucleotide variant.
Coding change: c.7864C>G on transcript NM_001378457.1 (MANE Select); coding-DNA position 7864, C replaced by G.
Protein change: p.Gln2622Glu; replaces glutamine 2622 with glutamic acid.
Molecular consequence: missense variant. On other transcripts: non-coding transcript variant (1).
Genome position (GRCh38, 1-based): chr15:51,463,441, G>C on the plus strand (C>G on the coding strand, the complement: DMXL2 is on the minus strand). VCF-style: chr15-51463441-G-C. GRCh37 (hg19) VCF-style: chr15-51755638-G-C.
Other names: c.7864C>G, p.Gln2622Glu (NM_001174116.3, NM_001378461.1); c.5953C>G, p.Gln1985Glu (NM_001174117.3); c.7861C>G, p.Gln2621Glu (NM_001378458.1, NM_001378462.1, NM_015263.5); c.7576C>G, p.Gln2526Glu (NM_001378459.1); c.5842C>G, p.Gln1948Glu (NM_001378460.1); c.7662C>G, p.Asn2554Lys (NM_001378463.1); c.7621C>G, p.Gln2541Glu (NM_001378464.1); short protein forms N2554K, Q1948E, Q1985E, Q2526E, Q2541E, Q2621E, Q2622E.
Identifiers: ClinVar variation 3606174 (VCV003606174.2).